The following is an entry in ClinVar:

NM_025099.6(CTC1):c.3157-19A>G

Gene: CTC1 (CST telomere replication complex component 1; minus strand). Cytogenetic location: 17p13.1.
Variant type: single nucleotide variant.
Coding change: c.3157-19A>G on transcript NM_025099.6 (MANE Select); 19 bases into the intron before coding-DNA position 3157, A replaced by G.
Molecular consequence: intron variant.
Genome position (GRCh38, 1-based): chr17:8,229,225, T>C on the plus strand (A>G on the coding strand, the complement: CTC1 is on the minus strand). VCF-style: chr17-8229225-T-C. GRCh37 (hg19) VCF-style: chr17-8132543-T-C.
Identifiers: ClinVar variation 2195782 (VCV002195782.3), dbSNP rs1220017598, ClinGen allele CA2580094931.

ClinVar aggregate classification (germline): Uncertain significance (1 of 4 stars; one submission).

Conditions:
Dyskeratosis congenita. Identifiers: Orphanet 1775, MedGen C0265965, MONDO:0015780.

Submission:

Labcorp Genetics (formerly Invitae), Labcorp
Classification: Uncertain significance for Dyskeratosis congenita. Last evaluated: 2022-02-22. Review status: criteria provided, single submitter. Criteria: Invitae Variant Classification Sherloc (09022015). Collection method: clinical testing. Allele origin: germline.
Comment: Algorithms developed to predict the effect of sequence changes on RNA splicing suggest that this variant may disrupt the consensus splice site. In summary, the available evidence is currently insufficient to determine the role of this variant in disease. Therefore, it has been classified as a Variant of Uncertain Significance. This variant has not been reported in the literature in individuals affected with CTC1-related conditions. This sequence change falls in intron 19 of the CTC1 gene. It does not directly change the encoded amino acid sequence of the CTC1 protein. This variant is not present in population databases (gnomAD no frequency).